The following is an entry in ClinVar:

NM_001852.4(COL9A2):c.1510C>T (p.Arg504Ter)

Gene: COL9A2 (collagen type IX alpha 2 chain; minus strand). Cytogenetic location: 1p34.2.
Variant type: single nucleotide variant.
Coding change: c.1510C>T on transcript NM_001852.4 (MANE Select); coding-DNA position 1510, C replaced by T.
Protein change: p.Arg504Ter; replaces arginine 504 with a stop codon.
Molecular consequence: nonsense.
Genome position (GRCh38, 1-based): chr1:40,303,568, G>A on the plus strand (C>T on the coding strand, the complement: COL9A2 is on the minus strand). VCF-style: chr1-40303568-G-A. GRCh37 (hg19) VCF-style: chr1-40769240-G-A.
Other names: short protein forms R504*.
Identifiers: ClinVar variation 1064932 (VCV001064932.7), dbSNP rs781682527, ClinGen allele CA339878064.

ClinVar aggregate classification (germline): Pathogenic/Likely pathogenic. Review status: criteria provided, multiple submitters, no conflicts (2 of 4 stars). 3 submissions from 3 submitters: Pathogenic (1); Likely pathogenic (2). Last evaluated 2024-06-10.

Conditions:
Stickler syndrome. Identifiers: Orphanet 828, MedGen C0265253, MONDO:0019354.

gnomAD v4.1: 25 of 1,611,032 alleles (0.0016%); highest among the groups gnomAD compares: Non-Finnish European, 0.0021%; no homozygotes.

Submissions (3):

GeneDx
Classification: Likely pathogenic. Last evaluated: 2024-06-10. Review status: criteria provided, single submitter. Criteria: GeneDx Variant Classification Process June 2021. Collection method: clinical testing. Allele origin: germline. Affected: yes.
Comment: Nonsense variant predicted to result in protein truncation or nonsense mediated decay in a gene for which loss of function is a known mechanism of disease; Not observed at significant frequency in large population cohorts (gnomAD); Has not been previously published as pathogenic or benign to our knowledge

Labcorp Genetics (formerly Invitae), Labcorp
Classification: Pathogenic. Last evaluated: 2023-06-28. Review status: criteria provided, single submitter. Criteria: Invitae Variant Classification Sherloc (09022015). Collection method: clinical testing. Allele origin: germline.
Comment: For these reasons, this variant has been classified as Pathogenic. ClinVar contains an entry for this variant (Variation ID: 1064932). This variant has not been reported in the literature in individuals affected with COL9A2-related conditions. This variant is present in population databases (no rsID available, gnomAD 0.001%). This sequence change creates a premature translational stop signal (p.Arg504*) in the COL9A2 gene. It is expected to result in an absent or disrupted protein product. Loss-of-function variants in COL9A2 are known to be pathogenic (PMID: 21671392, 33356723).

Department of Otolaryngology – Head & Neck Surgery, Cochlear Implant Center
Classification: Likely pathogenic for Stickler syndrome. Last evaluated: 2021-04-12. Review status: criteria provided, single submitter. Criteria: ClinGen HL ACMG Specifications v1. Collection method: clinical testing. Allele origin: germline. Affected: yes.
Comment: PVS1_Strong, PM2_Moderate

Literature cited by the submitters: PubMed 21671392 (cited by Labcorp Genetics (formerly Invitae), Labcorp); PubMed 33356723 (cited by Labcorp Genetics (formerly Invitae), Labcorp).